The following is an entry in ClinVar:

NM_004281.4(BAG3):c.200A>G (p.Asn67Ser)

Gene: BAG3 (BAG cochaperone 3; plus strand). Cytogenetic location: 10q26.11.
Variant type: single nucleotide variant.
Coding change: c.200A>G on transcript NM_004281.4 (MANE Select); coding-DNA position 200, A replaced by G.
Protein change: p.Asn67Ser; replaces asparagine 67 with serine.
Molecular consequence: missense variant.
Genome position (GRCh38, 1-based): chr10:119,669,870, A>G. VCF-style: chr10-119669870-A-G. GRCh37 (hg19) VCF-style: chr10-121429382-A-G.
Other names: short protein forms N67S.
Identifiers: ClinVar variation 228456 (VCV000228456.15), dbSNP rs572036022, ClinGen allele CA5716263.

ClinVar aggregate classification (germline): Conflicting classifications of pathogenicity. Review status: criteria provided, conflicting classifications (1 of 4 stars). 3 submissions from 3 submitters: Uncertain significance (2); Likely benign (1). Last evaluated 2025-08-29.

Conditions:
Cardiovascular phenotype. Identifiers: MedGen CN230736.
Dilated cardiomyopathy 1HH (CMD1HH). Identifiers: Orphanet 154, MedGen C3151293, MONDO:0013479, OMIM 613881.
Myofibrillar myopathy 6. Identifiers: Orphanet 199340, MedGen C2751831, MONDO:0013061, OMIM 612954.

Allele frequency attached by ClinVar (database versions not stated): TOPMed 0.00003; 1000 Genomes Project 30x 0.00016; 1000 Genomes Project 0.00020.

Submissions (3):

Labcorp Genetics (formerly Invitae), Labcorp
Classification: Likely benign for Dilated cardiomyopathy 1HH; Myofibrillar myopathy 6. Last evaluated: 2025-08-29. Review status: criteria provided, single submitter. Criteria: Invitae Variant Classification Sherloc (09022015). Collection method: clinical testing. Allele origin: germline.

Ambry Genetics
Classification: Uncertain significance for Cardiovascular phenotype. Last evaluated: 2025-06-06. Review status: criteria provided, single submitter. Criteria: Ambry Variant Classification Scheme 2023. Collection method: clinical testing. Allele origin: germline.

Laboratory for Molecular Medicine, Mass General Brigham Personalized Medicine
Classification: Uncertain significance. Last evaluated: 2015-01-26. Review status: criteria provided, single submitter. Criteria: LMM Criteria. Collection method: clinical testing. Allele origin: germline. Observed: 1 variant allele.
Comment: The p.Asn67Ser variant in BAG3 has not been previously reported in individuals w ith cardiomyopathy but has been identified in 2/67682 European chromosomes and 2 /10572 African chromosomes by the Exome Aggregation Consortium (ExAC; dbSNP rs572036022). Computational prediction tools and con servation analysis do not provide strong support for or against an impact to the protein. In summary, the clinical significance of the p.ASn67Ser variant is unc ertain.